The following is an entry in ClinVar:

NM_002661.5(PLCG2):c.679G>A (p.Val227Met)

Gene: PLCG2 (phospholipase C gamma 2; plus strand). Cytogenetic location: 16q23.3.
Variant type: single nucleotide variant.
Coding change: c.679G>A on transcript NM_002661.5 (MANE Select); coding-DNA position 679, G replaced by A.
Protein change: p.Val227Met; replaces valine 227 with methionine.
Molecular consequence: missense variant.
Genome position (GRCh38, 1-based): chr16:81,880,940, G>A. VCF-style: chr16-81880940-G-A. GRCh37 (hg19) VCF-style: chr16-81914545-G-A.
Other names: short protein forms V227M.
Identifiers: ClinVar variation 1055726 (VCV001055726.13), dbSNP rs769793664, ClinGen allele CA8193353.

ClinVar aggregate classification (germline): Uncertain significance. Review status: criteria provided, multiple submitters, no conflicts (2 of 4 stars). 2 submissions from 2 submitters: Uncertain significance (2). Last evaluated 2023-04-06.

Conditions:
Familial cold autoinflammatory syndrome 3 (FCAS3). Also called: FAMILIAL ATYPICAL COLD URTICARIA; ANTIBODY DEFICIENCY AND IMMUNE DYSREGULATION, PLCG2-ASSOCIATED. Identifiers: Orphanet 300359, MedGen C3280914, MONDO:0013766, OMIM 614468.
Autoinflammation-PLCG2-associated antibody deficiency-immune dysregulation. Also called: AUTOINFLAMMATION, ANTIBODY DEFICIENCY, AND IMMUNE DYSREGULATION; Autoinflammation, antibody deficiency, and immune dysregulation, plcg2-associated; Autoinflammation, antibody deficiency, and immune dysregulation syndrome. Identifiers: Orphanet 324530, MedGen C3553961, MONDO:0013944, OMIM 614878.

Allele frequency attached by ClinVar (database versions not stated): gnomAD 0.00001; ExAC 0.00002; gnomAD exomes 0.00002; TOPMed 0.00002.
gnomAD v4.1: 27 of 1,614,004 alleles (0.0017%); highest among the groups gnomAD compares: African/African-American, 0.0053%; no homozygotes.

Submissions (2):

Labcorp Genetics (formerly Invitae), Labcorp
Classification: Uncertain significance for Familial cold autoinflammatory syndrome 3. Last evaluated: 2023-04-06. Review status: criteria provided, single submitter. Criteria: Invitae Variant Classification Sherloc (09022015). Collection method: clinical testing. Allele origin: germline.
Comment: In summary, the available evidence is currently insufficient to determine the role of this variant in disease. Therefore, it has been classified as a Variant of Uncertain Significance. This sequence change replaces valine, which is neutral and non-polar, with methionine, which is neutral and non-polar, at codon 227 of the PLCG2 protein (p.Val227Met). This variant is present in population databases (rs769793664, gnomAD 0.004%). This variant has not been reported in the literature in individuals affected with PLCG2-related conditions. ClinVar contains an entry for this variant (Variation ID: 1055726). An algorithm developed to predict the effect of missense changes on protein structure and function (PolyPhen-2) suggests that this variant is likely to be tolerated.

Fulgent Genetics
Classification: Uncertain significance for Familial cold autoinflammatory syndrome 3; Autoinflammation-PLCG2-associated antibody deficiency-immune dysregulation. Last evaluated: 2021-12-18. Review status: criteria provided, single submitter. Criteria: ACMG Guidelines, 2015. Collection method: clinical testing. Allele origin: unknown.